The following is an entry in ClinVar:

NM_001739.2(CA5A):c.558C>T (p.Leu186=)

Gene: CA5A (carbonic anhydrase 5A; minus strand). Cytogenetic location: 16q24.2.
Variant type: single nucleotide variant.
Coding change: c.558C>T on transcript NM_001739.2 (MANE Select); coding-DNA position 558, C replaced by T.
Protein change: p.Leu186=; no amino-acid change (leucine 186 retained).
Molecular consequence: synonymous variant. On other transcripts: non-coding transcript variant (2).
Genome position (GRCh38, 1-based): chr16:87,901,972, G>A on the plus strand (C>T on the coding strand, the complement: CA5A is on the minus strand). VCF-style: chr16-87901972-G-A. GRCh37 (hg19) VCF-style: chr16-87935578-G-A.
Other names: c.558C>T (NM_001739.1); c.558C>T, p.Leu186= (NM_001367225.1).
Identifiers: ClinVar variation 2166231 (VCV002166231.29), dbSNP rs372374928, ClinGen allele CA8223393.

ClinVar aggregate classification (germline): Likely benign. Review status: criteria provided, multiple submitters, no conflicts (2 of 4 stars). 3 submissions from 3 submitters: Likely benign (2). 1 of the submissions does not count toward it. Last evaluated 2025-04-14.

Conditions:
CA5A-related disorder. Also called: CA5A-related condition.
Hyperammonemic encephalopathy due to carbonic anhydrase VA deficiency. Also called: Carbonic Anhydrase VA Deficiency; Carbonic anhydrase VA deficiency, hyperammonemia due to. Identifiers: Orphanet 401948, MedGen C4706871, MONDO:0014332, OMIM 615751.

Allele frequency attached by ClinVar (database versions not stated): gnomAD exomes 0.00006; ExAC 0.00015; ESP Exome Variant Server 0.00015; TOPMed 0.00027; gnomAD 0.00030; 1000 Genomes Project 0.00120; 1000 Genomes Project 30x 0.00125.
gnomAD v4.1: 136 of 1,613,582 alleles (0.0084%); highest among the groups gnomAD compares: African/African-American, 0.069%; no homozygotes.

Submissions (3):

Labcorp Genetics (formerly Invitae), Labcorp
Classification: Likely benign for Hyperammonemic encephalopathy due to carbonic anhydrase VA deficiency. Last evaluated: 2025-04-14. Review status: criteria provided, single submitter. Criteria: Invitae Variant Classification Sherloc (09022015). Collection method: clinical testing. Allele origin: germline.

CeGaT Center for Human Genetics Tuebingen
Classification: Likely benign. Last evaluated: 2024-08-01. Review status: criteria provided, single submitter. Criteria: CeGaT Center For Human Genetics Tuebingen Variant Classification Criteria Version 2. Collection method: clinical testing. Allele origin: germline. Affected: yes. Observed: 2 variant alleles.
Comment: CA5A: BP4, BP7

PreventionGenetics, part of Exact Sciences
Classification: Likely benign for CA5A-related condition. Last evaluated: 2022-04-06. Review status: no assertion criteria provided. Collection method: clinical testing. Allele origin: germline. Not counted in ClinVar's aggregate classification.
Comment: This variant is classified as likely benign based on ACMG/AMP sequence variant interpretation guidelines (Richards et al. 2015 PMID: 25741868, with internal and published modifications).